The following is an entry in ClinVar:

ClinVar aggregate classification (germline): Uncertain significance. Review status: criteria provided, multiple submitters, no conflicts (2 of 4 stars). 2 submissions from 2 submitters: Uncertain significance (2). Last evaluated 2025-10-27.

Conditions:
Primary ciliary dyskinesia. Also called: Ciliary dyskinesia. Identifiers: Orphanet 244, MedGen C0008780, MONDO:0016575, HP:0012265.
Inborn genetic diseases. Identifiers: MedGen C0950123, MeSH D030342.

Allele frequency attached by ClinVar (database versions not stated): TOPMed 0.00002; gnomAD 0.00003.
gnomAD v4.1: 55 of 1,606,538 alleles (0.0034%); highest among the groups gnomAD compares: Non-Finnish European, 0.0043%; no homozygotes.

Submissions (2):

Labcorp Genetics (formerly Invitae), Labcorp
Classification: Uncertain significance for Primary ciliary dyskinesia. Last evaluated: 2025-10-27. Review status: criteria provided, single submitter. Criteria: Invitae Variant Classification Sherloc (09022015). Collection method: clinical testing. Allele origin: germline.
Comment: This sequence change replaces serine, which is neutral and polar, with tyrosine, which is neutral and polar, at codon 63 of the CCNO protein (p.Ser63Tyr). This variant is present in population databases (rs774547104, gnomAD 0.005%). This variant has not been reported in the literature in individuals affected with CCNO-related conditions. ClinVar contains an entry for this variant (Variation ID: 2388009). Invitae Evidence Modeling of protein sequence and biophysical properties (such as structural, functional, and spatial information, amino acid conservation, physicochemical variation, residue mobility, and thermodynamic stability) indicates that this missense variant is not expected to disrupt CCNO protein function with a negative predictive value of 80%. In summary, the available evidence is currently insufficient to determine the role of this variant in disease. Therefore, it has been classified as a Variant of Uncertain Significance.

Ambry Genetics
Classification: Uncertain significance for Inborn genetic diseases. Last evaluated: 2025-08-03. Review status: criteria provided, single submitter. Criteria: Ambry Variant Classification Scheme 2023. Collection method: clinical testing. Allele origin: germline.

NM_021147.5(CCNO):c.188C>A (p.Ser63Tyr)

Gene: CCNO (cyclin O; minus strand). Cytogenetic location: 5q11.2.
Variant type: single nucleotide variant.
Coding change: c.188C>A on transcript NM_021147.5 (MANE Select); coding-DNA position 188, C replaced by A.
Protein change: p.Ser63Tyr; replaces serine 63 with tyrosine.
Molecular consequence: missense variant. On other transcripts: non-coding transcript variant (2).
Genome position (GRCh38, 1-based): chr5:55,233,336, G>T on the plus strand (C>A on the coding strand, the complement: CCNO is on the minus strand). VCF-style: chr5-55233336-G-T. GRCh37 (hg19) VCF-style: chr5-54529164-G-T.
Other names: short protein forms S63Y.
Identifiers: ClinVar variation 2388009 (VCV002388009.4), dbSNP rs774547104, ClinGen allele CA3266841.
Genomic context (GRCh38, chr5:55,233,336, plus strand): 5'-AGGGGGCTACCACCCCGCGCCGCAGAGGGGCTCTCTGCGCCGTCTGAGCCGGAGCTGGGG[G>T]ACTCGAACAGGTCGCAAATGCCGGAGTCTCCCGGGAGCGGGCACGGGTTCAGGGGATGCA-3'
Protein context (NP_066970.3, residues 53-73): GDSGICDLFE[Ser63Tyr]PSSGSDGAES